The following is an entry in ClinVar:

ClinVar aggregate classification (germline): Uncertain significance (1 of 4 stars; one submission).

Allele frequency attached by ClinVar (database versions not stated): gnomAD exomes below 0.00001 and 0.00003; gnomAD 0.00003 and 0.00004; TOPMed 0.00004; ExAC 0.00012.
gnomAD v4.1: 11 of 1,487,908 alleles (0.00074%); highest among the groups gnomAD compares: African/African-American, 0.014%; no homozygotes.

Submission:

Labcorp Genetics (formerly Invitae), Labcorp
Classification: Uncertain significance. Last evaluated: 2023-01-24. Review status: criteria provided, single submitter. Criteria: Invitae Variant Classification Sherloc (09022015). Collection method: clinical testing. Allele origin: germline.
Comment: This sequence change replaces isoleucine, which is neutral and non-polar, with threonine, which is neutral and polar, at codon 299 of the ERBIN protein (p.Ile299Thr). In summary, the available evidence is currently insufficient to determine the role of this variant in disease. Therefore, it has been classified as a Variant of Uncertain Significance. Algorithms developed to predict the effect of missense changes on protein structure and function output the following: SIFT: "Tolerated"; PolyPhen-2: "Benign"; Align-GVGD: "Class C0". The threonine amino acid residue is found in multiple mammalian species, which suggests that this missense change does not adversely affect protein function. ClinVar contains an entry for this variant (Variation ID: 1433560). This variant has not been reported in the literature in individuals affected with ERBIN-related conditions. This variant is present in population databases (rs773664747, gnomAD 0.03%).

NM_001253697.2(ERBIN):c.896T>C (p.Ile299Thr)

Gene: ERBIN (erbb2 interacting protein; plus strand). Cytogenetic location: 5q12.3.
Variant type: single nucleotide variant.
Coding change: c.896T>C on transcript NM_001253697.2 (MANE Select); coding-DNA position 896, T replaced by C.
Protein change: p.Ile299Thr; replaces isoleucine 299 with threonine.
Molecular consequence: missense variant.
Genome position (GRCh38, 1-based): chr5:66,025,853, T>C. VCF-style: chr5-66025853-T-C. GRCh37 (hg19) VCF-style: chr5-65321681-T-C.
Other names: c.896T>C, p.Ile299Thr (NM_001006600.3, NM_001253698.2, NM_001253699.2 and 2 more transcripts); short protein forms I299T.
Identifiers: ClinVar variation 1433560 (VCV001433560.8), dbSNP rs773664747, ClinGen allele CA3286097.
Genomic context (GRCh38, chr5:66,025,853, plus strand): 5'-ATTATATATAGGAAATCTTTAACAAATAATATATATTTCTTTTTTTAAATTAAAGGTTAA[T>C]ATCAGTAGAAGAACTGGATTGTAGTTTCAATGAAGTTGAAGCTTTGCCTTCATCTATTGG-3'
Protein context (NP_001240626.1, residues 289-309): MYLPDSIGGL[Ile299Thr]SVEELDCSFN